The following is an entry in ClinVar:

NM_201253.3(CRB1):c.2198A>G (p.Tyr733Cys)

Gene: CRB1 (crumbs cell polarity complex component 1; plus strand). Cytogenetic location: 1q31.3.
Variant type: single nucleotide variant.
Coding change: c.2198A>G on transcript NM_201253.3 (MANE Select); coding-DNA position 2198, A replaced by G.
Protein change: p.Tyr733Cys; replaces tyrosine 733 with cysteine.
Molecular consequence: missense variant. On other transcripts: non-coding transcript variant (2), intron variant (1).
Genome position (GRCh38, 1-based): chr1:197,427,523, A>G. VCF-style: chr1-197427523-A-G. GRCh37 (hg19) VCF-style: chr1-197396653-A-G.
Other names: c.1862A>G, p.Tyr621Cys (NM_001193640.2); c.1991A>G, p.Tyr664Cys (NM_001257965.2); c.2128+5567A>G (NM_001257966.2); short protein forms Y664C, Y621C, Y733C.
Identifiers: ClinVar variation 2066843 (VCV002066843.4), dbSNP rs779943125, ClinGen allele CA1312071.
Genomic context (GRCh38, chr1:197,427,523, plus strand): 5'-CAGGCAGATTTGGCCAGGATGACTCCACTGGTTATGTCATCTTTACTCTTGATGAGAGCT[A>G]TGGAGACACCATCAGCCTCTCCATGTTTGTCCGAACGCTTCAACCATCAGGCTTACTTCT-3'
Protein context (NP_957705.1, residues 723-743): GYVIFTLDES[Tyr733Cys]GDTISLSMFV

ClinVar aggregate classification (germline): Conflicting classifications of pathogenicity. Review status: criteria provided, conflicting classifications (1 of 4 stars). 2 submissions from 2 submitters: Pathogenic (1); Uncertain significance (1). Last evaluated 2024-12-03.

Conditions:
Retinitis pigmentosa 12 (RP12). Also called: RP WITH OR WITHOUT PPRPE; RP WITH OR WITHOUT PRESERVED PARAARTERIOLE RETINAL PIGMENT EPITHELIUM; RETINITIS PIGMENTOSA WITH OR WITHOUT PARAARTERIOLAR PRESERVATION OF RETINAL PIGMENT EPITHELIUM. Identifiers: Orphanet 791, MedGen C1838647, MONDO:0010818, OMIM 600105.
Leber congenital amaurosis 8 (LCA8). Identifiers: Orphanet 65, MedGen C3151202, MONDO:0013453, OMIM 613835.

Allele frequency attached by ClinVar (database versions not stated): gnomAD exomes 0.00001; ExAC 0.00002; TOPMed 0.00002.
gnomAD v4.1: 12 of 1,613,872 alleles (0.00074%); highest among the groups gnomAD compares: Admixed American, 0.0083%; no homozygotes.

Submissions (2):

Labcorp Genetics (formerly Invitae), Labcorp
Classification: Pathogenic for Leber congenital amaurosis 8; Retinitis pigmentosa 12. Last evaluated: 2024-12-03. Review status: criteria provided, single submitter. Criteria: Invitae Variant Classification Sherloc (09022015). Collection method: clinical testing. Allele origin: germline.
Comment: This sequence change replaces tyrosine, which is neutral and polar, with cysteine, which is neutral and slightly polar, at codon 733 of the CRB1 protein (p.Tyr733Cys). This variant is present in population databases (rs779943125, gnomAD 0.01%). This missense change has been observed in individual(s) with clinical features of autosomal recessive CRB1-related conditions and/or retinitis pigmentosa (PMID: 34721897; internal data). In at least one individual the data is consistent with being in trans (on the opposite chromosome) from a pathogenic variant. ClinVar contains an entry for this variant (Variation ID: 2066843). Invitae Evidence Modeling of protein sequence and biophysical properties (such as structural, functional, and spatial information, amino acid conservation, physicochemical variation, residue mobility, and thermodynamic stability) has been performed for this missense variant. However, the output from this modeling did not meet the statistical confidence thresholds required to predict the impact of this variant on CRB1 protein function. For these reasons, this variant has been classified as Pathogenic.

3billion
Classification: Uncertain significance for Retinitis pigmentosa 12. Last evaluated: 2023-12-19. Review status: criteria provided, single submitter. Criteria: ACMG Guidelines, 2015. Collection method: clinical testing. Allele origin: germline. Affected: yes.
Comment: The variant is observed at an extremely low frequency in the gnomAD v2.1.1 dataset (total allele frequency: 0.002%). Predicted Consequence/Location: Missense variant In silico tool predictions suggest damaging effect of the variant on gene or gene product [3Cnet: 0.87 (>=0.6, sensitivity 0.72 and precision 0.9)]. Therefore, this variant is classified as VUS according to the recommendation of ACMG/AMP guideline.

Literature cited by the submitters: PubMed 34721897 (cited by Labcorp Genetics (formerly Invitae), Labcorp).